The following is an entry in ClinVar:

ClinVar aggregate classification (germline): Benign/Likely benign. Review status: criteria provided, multiple submitters, no conflicts (2 of 4 stars). 2 submissions from 2 submitters: Benign (1); Likely benign (1). Last evaluated 2025-10-14.

Conditions:
Perry syndrome. Also called: PARKINSONISM WITH ALVEOLAR HYPOVENTILATION AND MENTAL DEPRESSION. Identifiers: Orphanet 178509, MedGen C1868594, MONDO:0008201, OMIM 168605.
Neuronopathy, distal hereditary motor, type 7B. Also called: NEURONOPATHY, DISTAL HEREDITARY MOTOR, AUTOSOMAL DOMINANT 14; NEURONOPATHY, DISTAL HEREDITARY MOTOR, HARDING TYPE VIIB; NEUROPATHY, DISTAL HEREDITARY MOTOR, HARDING TYPE VIIB; NEUROPATHY, DISTAL HEREDITARY MOTOR, WITH VOCAL CORD PARALYSIS, HARDING TYPE VIIB; HMN VIIB; LOWER MOTOR NEURON DISEASE, DYNACTIN TYPE. Identifiers: Orphanet 139589, MedGen C1843315, MONDO:0011879, OMIM 607641.
Amyotrophic lateral sclerosis type 1 (ALS1). Also called: AMYOTROPHIC LATERAL SCLEROSIS 1, FAMILIAL. Identifiers: Orphanet 803, MedGen C1862939, MONDO:0007103, OMIM 105400.

Allele frequency attached by ClinVar (database versions not stated): gnomAD below 0.00001 and 0.00002; gnomAD exomes 0.00010; ExAC 0.00013; 1000 Genomes Project 0.00020; 1000 Genomes Project 30x 0.00031.
gnomAD v4.1: 70 of 1,611,288 alleles (0.0043%); highest among the groups gnomAD compares: South Asian, 0.068%; no homozygotes.

Submissions (2):

Mayo Clinic Laboratories, Mayo Clinic
Classification: Likely benign. Last evaluated: 2025-10-14. Review status: criteria provided, single submitter. Criteria: ACMG Guidelines, 2015. Collection method: clinical testing. Allele origin: germline. Observed: 1 variant allele.
Comment: BP4, BP7

Labcorp Genetics (formerly Invitae), Labcorp
Classification: Benign for Amyotrophic lateral sclerosis type 1; Neuronopathy, distal hereditary motor, type 7B; Perry syndrome. Last evaluated: 2024-11-23. Review status: criteria provided, single submitter. Criteria: Invitae Variant Classification Sherloc (09022015). Collection method: clinical testing. Allele origin: germline.

NM_004082.5(DCTN1):c.3529+8C>T

Gene: DCTN1 (dynactin subunit 1; minus strand). Cytogenetic location: 2p13.1.
Variant type: single nucleotide variant.
Coding change: c.3529+8C>T on transcript NM_004082.5 (MANE Select); 8 bases into the intron after coding-DNA position 3529, C replaced by T.
Molecular consequence: intron variant.
Genome position (GRCh38, 1-based): chr2:74,362,986, G>A on the plus strand (C>T on the coding strand, the complement: DCTN1 is on the minus strand). VCF-style: chr2-74362986-G-A. GRCh37 (hg19) VCF-style: chr2-74590113-G-A.
Other names: p.?; c.3403+8C>T (NM_001190836.2); c.3460+8C>T (NM_001378992.1); c.3478+8C>T (NM_001378991.1); c.3454+8C>T (NM_001135040.3); c.3508+8C>T (NM_001190837.2); c.3112+8C>T (NM_001135041.3); c.3127+8C>T (NM_023019.4).
Identifiers: ClinVar variation 706755 (VCV000706755.12), dbSNP rs547520298, ClinGen allele CA1721469.